The following is an entry in ClinVar:

ClinVar aggregate classification (germline): Uncertain significance. Review status: criteria provided, multiple submitters, no conflicts (2 of 4 stars). 3 submissions from 3 submitters: Uncertain significance (2). 1 of the submissions does not count toward it. Last evaluated 2024-11-05.

Conditions:
DCTN1-related disorder. Also called: DCTN1-related condition.
Amyotrophic lateral sclerosis type 1 (ALS1). Also called: AMYOTROPHIC LATERAL SCLEROSIS 1, FAMILIAL. Identifiers: Orphanet 803, MedGen C1862939, MONDO:0007103, OMIM 105400.
Neuronopathy, distal hereditary motor, type 7B. Also called: Distal Hereditary Motor Neuronopathy Type 7B (dHMN7B); HMN VIIB; LOWER MOTOR NEURON DISEASE, DYNACTIN TYPE; NEURONOPATHY, DISTAL HEREDITARY MOTOR, AUTOSOMAL DOMINANT 14; NEURONOPATHY, DISTAL HEREDITARY MOTOR, HARDING TYPE VIIB; NEUROPATHY, DISTAL HEREDITARY MOTOR, HARDING TYPE VIIB. Identifiers: Orphanet 139589, MedGen C1843315, MONDO:0011879, OMIM 607641.
Perry syndrome. Also called: PARKINSONISM WITH ALVEOLAR HYPOVENTILATION AND MENTAL DEPRESSION. Identifiers: Orphanet 178509, MedGen C1868594, MONDO:0008201, OMIM 168605.

Allele frequency attached by ClinVar (database versions not stated): gnomAD exomes below 0.00001 and 0.00001; gnomAD 0.00001; TOPMed 0.00001.
gnomAD v4.1: 18 of 1,613,990 alleles (0.0011%); highest among the groups gnomAD compares: Non-Finnish European, 0.0014%; no homozygotes.

Submissions (3):

Blueprint Genetics
Classification: Uncertain significance. Last evaluated: 2024-11-05. Review status: criteria provided, single submitter. Criteria: ACMG Guidelines, 2015. Collection method: clinical testing. Allele origin: germline.

Labcorp Genetics (formerly Invitae), Labcorp
Classification: Uncertain significance for Amyotrophic lateral sclerosis type 1; Neuronopathy, distal hereditary motor, type 7B; Perry syndrome. Last evaluated: 2023-07-07. Review status: criteria provided, single submitter. Criteria: Invitae Variant Classification Sherloc (09022015). Collection method: clinical testing. Allele origin: germline.
Comment: This variant has not been reported in the literature in individuals affected with DCTN1-related conditions. ClinVar contains an entry for this variant (Variation ID: 641187). This sequence change replaces arginine, which is basic and polar, with glutamine, which is neutral and polar, at codon 274 of the DCTN1 protein (p.Arg274Gln). The frequency data for this variant in the population databases is considered unreliable, as metrics indicate poor data quality at this position in the gnomAD database. In summary, the available evidence is currently insufficient to determine the role of this variant in disease. Therefore, it has been classified as a Variant of Uncertain Significance. Advanced modeling of protein sequence and biophysical properties (such as structural, functional, and spatial information, amino acid conservation, physicochemical variation, residue mobility, and thermodynamic stability) performed at Invitae indicates that this missense variant is not expected to disrupt DCTN1 protein function.

PreventionGenetics, part of Exact Sciences
Classification: Uncertain significance for DCTN1-related condition. Last evaluated: 2023-12-19. Review status: no assertion criteria provided. Collection method: clinical testing. Allele origin: germline. Not counted in ClinVar's aggregate classification.
Comment: The DCTN1 c.821G>A variant is predicted to result in the amino acid substitution p.Arg274Gln. To our knowledge, this variant has not been reported in the literature. This variant is reported in 0.00088% of alleles in individuals of European (Non-Finnish) descent in gnomAD. At this time, the clinical significance of this variant is uncertain due to the absence of conclusive functional and genetic evidence.

NM_004082.5(DCTN1):c.821G>A (p.Arg274Gln)

Gene: DCTN1 (dynactin subunit 1; minus strand). Cytogenetic location: 2p13.1.
Variant type: single nucleotide variant.
Coding change: c.821G>A on transcript NM_004082.5 (MANE Select); coding-DNA position 821, G replaced by A.
Protein change: p.Arg274Gln; replaces arginine 274 with glutamine.
Molecular consequence: missense variant. On other transcripts: non-coding transcript variant (1).
Genome position (GRCh38, 1-based): chr2:74,371,001, C>T on the plus strand (G>A on the coding strand, the complement: DCTN1 is on the minus strand). VCF-style: chr2-74371001-C-T. GRCh37 (hg19) VCF-style: chr2-74598128-C-T.
Other names: c.761G>A, p.Arg254Gln (NM_001135040.3); c.419G>A, p.Arg140Gln (NM_001135041.3, NM_023019.4); c.710G>A, p.Arg237Gln (NM_001190836.2); c.800G>A, p.Arg267Gln (NM_001190837.2); c.770G>A, p.Arg257Gln (NM_001378991.1); c.752G>A, p.Arg251Gln (NM_001378992.1); short protein forms R274Q, R267Q, R140Q, R237Q, R254Q, R251Q, R257Q.
Identifiers: ClinVar variation 641187 (VCV000641187.11), dbSNP rs1379544377, ClinGen allele CA347365898.